The following is an entry in ClinVar:

NM_015602.4(TOR1AIP1):c.179C>G (p.Ser60Trp)

Genes: TOR1AIP1 (torsin 1A interacting protein 1; plus strand), LOC112577517 (Sharpr-MPRA regulatory region 13766; plus strand). Cytogenetic location: 1q25.2.
Variant type: single nucleotide variant.
Coding change: c.179C>G on transcript NM_015602.4 (MANE Select); coding-DNA position 179, C replaced by G.
Protein change: p.Ser60Trp; replaces serine 60 with tryptophan.
Molecular consequence: missense variant.
Genome position (GRCh38, 1-based): chr1:179,882,681, C>G. VCF-style: chr1-179882681-C-G. GRCh37 (hg19) VCF-style: chr1-179851816-C-G.
Other names: c.179C>G, p.Ser60Trp (NM_001267578.2); short protein forms S60W.
Identifiers: ClinVar variation 1900054 (VCV001900054.3), dbSNP rs1037543478, ClinGen allele CA33712253.

ClinVar aggregate classification (germline): Uncertain significance (1 of 4 stars; one submission).

Conditions:
Autosomal recessive limb-girdle muscular dystrophy type 2Y (MRRSDC). Also called: Muscular dystrophy, autosomal recessive, with rigid spine and distal joint contractures; Muscular dystrophy, limb-girdle, type 2y. Identifiers: Orphanet 424261, MedGen C4511482, MONDO:0014900, OMIM 617072.

Submission:

Labcorp Genetics (formerly Invitae), Labcorp
Classification: Uncertain significance for Autosomal recessive limb-girdle muscular dystrophy type 2Y. Last evaluated: 2022-04-12. Review status: criteria provided, single submitter. Criteria: Invitae Variant Classification Sherloc (09022015). Collection method: clinical testing. Allele origin: germline.
Comment: This sequence change replaces serine, which is neutral and polar, with tryptophan, which is neutral and slightly polar, at codon 60 of the TOR1AIP1 protein (p.Ser60Trp). This variant is not present in population databases (gnomAD no frequency). This variant has not been reported in the literature in individuals affected with TOR1AIP1-related conditions. Algorithms developed to predict the effect of missense changes on protein structure and function are either unavailable or do not agree on the potential impact of this missense change (SIFT: "Deleterious"; PolyPhen-2: "Probably Damaging"; Align-GVGD: "Class C0"). In summary, the available evidence is currently insufficient to determine the role of this variant in disease. Therefore, it has been classified as a Variant of Uncertain Significance.